The following is an entry in ClinVar:

NM_006941.4(SOX10):c.512A>C (p.Tyr171Ser)

Genes: POLR2F (RNA polymerase II, I and III subunit F; plus strand), SOX10 (SRY-box transcription factor 10; minus strand). Cytogenetic location: 22q13.1.
Variant type: single nucleotide variant.
Coding change: c.512A>C on transcript NM_006941.4 (MANE Select); coding-DNA position 512, A replaced by C.
Protein change: p.Tyr171Ser; replaces tyrosine 171 with serine.
Molecular consequence: missense variant. On other transcripts: intron variant (3).
Genome position (GRCh38, 1-based): chr22:37,978,052, T>G on the plus strand (A>C on the coding strand, the complement: SOX10 is on the minus strand). VCF-style: chr22-37978052-T-G. GRCh37 (hg19) VCF-style: chr22-38374059-T-G.
Other names: c.*38+5742T>G (NM_001363825.1); c.294-8102T>G (NM_001301130.2); c.293+10882T>G (NM_001301131.2); short protein forms Y171S.
Identifiers: ClinVar variation 2664339 (VCV002664339.2), dbSNP rs2518046893, ClinGen allele CA411497851.

ClinVar aggregate classification (germline): Likely pathogenic (0 of 4 stars; one submission).

Conditions:
Waardenburg syndrome type 4C (WS4C). Also called: WAARDENBURG SYNDROME WITH HIRSCHSPRUNG DISEASE, TYPE 4C. Identifiers: Orphanet 897, MedGen C2750452, MONDO:0013202, OMIM 613266.

Submission:

Diagnostics Centre, Carl Von Ossietzky University Oldenburg
Classification: Likely pathogenic for Waardenburg syndrome type 4C. Last evaluated: 2023-05-02. Review status: no assertion criteria provided. Collection method: clinical testing. Allele origin: germline. Affected: yes. Observed: 1 variant allele.
Comment: The variant SOX10:c.512A>C, p.(Tyr171Ser), which is located in the coding exon 3 of the SOX10 gene, results from an adenine-to-cytosine substitution at nucleotide position 512. The tyrosine at protein position 171 is replaced by serine. SOX10 codes for the SRY-box transcription factor 10, and both loss-of-function variants and missense variants, particularly in the DNA-binding HMG-box, have been suggested to cause the associated syndromes. In silico analyses have assessed this alteration as severe (REVEL = 0.949). This variant can be classified as very rare in the overall population (no carriers in gnomAD). The variant is classified as Likely pathogenic.

Literature cited by the submitters: PubMed 36413997; PubMed 27666373.